The following is an entry in ClinVar:

NM_003200.5(TCF3):c.1014+6G>T

Gene: TCF3 (transcription factor 3; minus strand). Cytogenetic location: 19p13.3.
Variant type: single nucleotide variant.
Coding change: c.1014+6G>T on transcript NM_003200.5 (MANE Select); 6 bases into the intron after coding-DNA position 1014, G replaced by T.
Molecular consequence: intron variant.
Genome position (GRCh38, 1-based): chr19:1,621,127, C>A on the plus strand (G>T on the coding strand, the complement: TCF3 is on the minus strand). VCF-style: chr19-1621127-C-A. GRCh37 (hg19) VCF-style: chr19-1621126-C-A.
Other names: c.1014+6G>T (NM_001351778.2, NM_001136139.4, NM_001351779.2).
Identifiers: ClinVar variation 2022608 (VCV002022608.4), dbSNP rs1437720086, ClinGen allele CA2580096096.
Genomic context (GRCh38, chr19:1,621,127, plus strand): 5'-GATGGGCGGTCAGGGGCCGGCCTCTCAGGTCACTTGCCTGGCCACCCCCCATGCCCCACG[C>A]CTCACCGAGGCCAGTGCTTTGCCGAGGGCATCCCCGGAGCTGCCAGCTGTGGTCCCTCGG-3'

ClinVar aggregate classification (germline): Uncertain significance (1 of 4 stars; one submission).

gnomAD v4.1: 2 of 1,539,574 alleles (0.00013%); highest among the groups gnomAD compares: South Asian, 0.0012%; no homozygotes.

Submission:

Labcorp Genetics (formerly Invitae), Labcorp
Classification: Uncertain significance. Last evaluated: 2022-08-21. Review status: criteria provided, single submitter. Criteria: Invitae Variant Classification Sherloc (09022015). Collection method: clinical testing. Allele origin: germline.
Comment: In summary, the available evidence is currently insufficient to determine the role of this variant in disease. Therefore, it has been classified as a Variant of Uncertain Significance. Variants that disrupt the consensus splice site are a relatively common cause of aberrant splicing (PMID: 17576681, 9536098). Algorithms developed to predict the effect of sequence changes on RNA splicing suggest that this variant is not likely to affect RNA splicing. This variant has not been reported in the literature in individuals affected with TCF3-related conditions. This variant is not present in population databases (gnomAD no frequency). This sequence change falls in intron 12 of the TCF3 gene. It does not directly change the encoded amino acid sequence of the TCF3 protein. It affects a nucleotide within the consensus splice site.

Literature cited by the submitters: PubMed 17576681; PubMed 9536098.